The following is an entry in ClinVar:

NM_002905.5(RDH5):c.218C>T (p.Ser73Phe)

Genes: RDH5 (retinol dehydrogenase 5; plus strand), BLOC1S1-RDH5 (BLOC1S1-RDH5 readthrough; plus strand). Cytogenetic location: 12q13.2.
Variant type: single nucleotide variant.
Coding change: c.218C>T on transcript NM_002905.5 (MANE Select); coding-DNA position 218, C replaced by T.
Protein change: p.Ser73Phe; replaces serine 73 with phenylalanine.
Molecular consequence: missense variant.
Genome position (GRCh38, 1-based): chr12:55,721,402, C>T. VCF-style: chr12-55721402-C-T. GRCh37 (hg19) VCF-style: chr12-56115186-C-T.
Other names: c.218C>T, p.Ser73Phe (NM_001199771.3); short protein forms S73F.
Identifiers: ClinVar variation 8004 (VCV000008004.12), dbSNP rs62638185, ClinGen allele CA119198.

ClinVar aggregate classification (germline): Conflicting classifications of pathogenicity. Review status: criteria provided, conflicting classifications (1 of 4 stars). 3 submissions from 3 submitters: Likely pathogenic (1); Uncertain significance (1). 1 of the submissions does not count toward it. Last evaluated 2023-11-20.

Conditions:
RDH5-related disorder. Also called: RDH5-related condition.
Fundus albipunctatus, autosomal recessive. Identifiers: MedGen C4016746.

Allele frequency attached by ClinVar (database versions not stated): gnomAD exomes below 0.00001.
gnomAD v4.1: 3 of 1,613,900 alleles (0.00019%); highest among the groups gnomAD compares: Non-Finnish European, 0.00025%; no homozygotes.

Submissions (3):

Labcorp Genetics (formerly Invitae), Labcorp
Classification: Uncertain significance. Last evaluated: 2023-11-20. Review status: criteria provided, single submitter. Criteria: Invitae Variant Classification Sherloc (09022015). Collection method: clinical testing. Allele origin: germline.
Comment: This sequence change replaces serine, which is neutral and polar, with phenylalanine, which is neutral and non-polar, at codon 73 of the RDH5 protein (p.Ser73Phe). This variant is present in population databases (rs62638185, gnomAD no frequency). This missense change has been observed in individual(s) with fundus albipunctatus (PMID: 10369264). In at least one individual the data is consistent with being in trans (on the opposite chromosome) from a pathogenic variant. ClinVar contains an entry for this variant (Variation ID: 8004). Advanced modeling of protein sequence and biophysical properties (such as structural, functional, and spatial information, amino acid conservation, physicochemical variation, residue mobility, and thermodynamic stability) performed at Invitae indicates that this missense variant is expected to disrupt RDH5 protein function with a positive predictive value of 80%. Experimental studies have shown that this missense change affects RDH5 function (PMID: 11675386). In summary, the available evidence is currently insufficient to determine the role of this variant in disease. Therefore, it has been classified as a Variant of Uncertain Significance.

Blueprint Genetics
Classification: Likely pathogenic for RDH5-related disorders. Last evaluated: 2020-09-24. Review status: criteria provided, single submitter. Criteria: ACMG Guidelines, 2015. Collection method: clinical testing. Allele origin: germline. Affected: yes. Observed: 2 variant alleles.

OMIM
Classification: Pathogenic for FUNDUS ALBIPUNCTATUS, AUTOSOMAL RECESSIVE. Last evaluated: 1999-06-01. Review status: no assertion criteria provided. Collection method: literature only. Allele origin: germline. Not counted in ClinVar's aggregate classification.

Literature cited by the submitters: PubMed 10369264 (cited by Labcorp Genetics (formerly Invitae), Labcorp and OMIM); PubMed 11675386 (cited by Labcorp Genetics (formerly Invitae), Labcorp).